The following is an entry in ClinVar:

NM_001130438.3(SPTAN1):c.5334G>T (p.Met1778Ile)

Gene: SPTAN1 (spectrin alpha, non-erythrocytic 1; plus strand). Cytogenetic location: 9q34.11.
Variant type: single nucleotide variant.
Coding change: c.5334G>T on transcript NM_001130438.3 (MANE Select); coding-DNA position 5334, G replaced by T.
Protein change: p.Met1778Ile; replaces methionine 1778 with isoleucine.
Molecular consequence: missense variant.
Genome position (GRCh38, 1-based): chr9:128,615,817, G>T. VCF-style: chr9-128615817-G-T. GRCh37 (hg19) VCF-style: chr9-131378096-G-T.
Other names: c.5259G>T, p.Met1753Ile (NM_001195532.2); c.5334G>T, p.Met1778Ile (NM_001363759.2, NM_001375310.1, NM_001375311.2 and 1 more transcripts); c.5274G>T, p.Met1758Ile (NM_001363765.2, NM_001375314.2); c.5370G>T, p.Met1790Ile (NM_001375312.2, NM_001375318.1); c.5319G>T, p.Met1773Ile (NM_003127.4); short protein forms M1758I, M1773I, M1753I, M1790I, M1778I.
Identifiers: ClinVar variation 2126513 (VCV002126513.4), dbSNP rs2541887891, ClinGen allele CA375074988.
Genomic context (GRCh38, chr9:128,615,817, plus strand): 5'-GGCCTCCCGGCGAGCCAAGCTGAATGAATCCCATCGCCTGCACCAGTTCTTCCGGGACAT[G>T]GATGACGAGGAGTCCTGGATCAAGTATGTCTTCTCAGCCCTCTAGAAGGCCCCTTACGCC-3'
Protein context (NP_001123910.1, residues 1768-1788): SHRLHQFFRD[Met1778Ile]DDEESWIKEK

ClinVar aggregate classification (germline): Uncertain significance (1 of 4 stars; one submission).

Conditions:
Early-infantile DEE. Also called: Early infantile epileptic encephalopathy; Ohtahara syndrome; Early infantile epileptic encephalopathy with suppression bursts. Identifiers: Orphanet 1934, MedGen C0393706, MONDO:0800491.

Submission:

Labcorp Genetics (formerly Invitae), Labcorp
Classification: Uncertain significance for Early-infantile DEE. Last evaluated: 2022-04-15. Review status: criteria provided, single submitter. Criteria: Invitae Variant Classification Sherloc (09022015). Collection method: clinical testing. Allele origin: germline.
Comment: In summary, the available evidence is currently insufficient to determine the role of this variant in disease. Therefore, it has been classified as a Variant of Uncertain Significance. This sequence change replaces methionine, which is neutral and non-polar, with isoleucine, which is neutral and non-polar, at codon 1778 of the SPTAN1 protein (p.Met1778Ile). This variant is not present in population databases (gnomAD no frequency). This variant has not been reported in the literature in individuals affected with SPTAN1-related conditions. Algorithms developed to predict the effect of missense changes on protein structure and function (SIFT, PolyPhen-2, Align-GVGD) all suggest that this variant is likely to be tolerated.